The following is an entry in ClinVar:

NM_054027.6(ANKH):c.910G>A (p.Asp304Asn)

Gene: ANKH (ANKH inorganic pyrophosphate transport regulator; minus strand). Cytogenetic location: 5p15.2.
Variant type: single nucleotide variant.
Coding change: c.910G>A on transcript NM_054027.6 (MANE Select); coding-DNA position 910, G replaced by A.
Protein change: p.Asp304Asn; replaces aspartic acid 304 with asparagine.
Molecular consequence: missense variant.
Genome position (GRCh38, 1-based): chr5:14,745,875, C>T on the plus strand (G>A on the coding strand, the complement: ANKH is on the minus strand). VCF-style: chr5-14745875-C-T. GRCh37 (hg19) VCF-style: chr5-14745984-C-T.
Other names: short protein forms D304N.
Identifiers: ClinVar variation 2655367 (VCV002655367.24), dbSNP rs1361794643, ClinGen allele CA359246119.

ClinVar aggregate classification (germline): Uncertain significance (1 of 4 stars; one submission).

Allele frequency attached by ClinVar (database versions not stated): gnomAD exomes 0.00001; TOPMed 0.00002; gnomAD 0.00003.
gnomAD v4.1: 17 of 1,613,998 alleles (0.0011%); highest among the groups gnomAD compares: East Asian, 0.0045%; no homozygotes.

Submission:

CeGaT Center for Human Genetics Tuebingen
Classification: Uncertain significance. Last evaluated: 2022-09-01. Review status: criteria provided, single submitter. Criteria: CeGaT Center For Human Genetics Tuebingen Variant Classification Criteria Version 2. Collection method: clinical testing. Allele origin: germline. Affected: yes. Observed: 1 variant allele.
Comment: ANKH: PP3